The following is an entry in ClinVar:

NM_004380.3(CREBBP):c.1690G>A (p.Asp564Asn)

Genes: CREBBP (CREB binding lysine acetyltransferase; minus strand), LOC130058353 (ATAC-STARR-seq lymphoblastoid active region 10333; plus strand). Cytogenetic location: 16p13.3.
Variant type: single nucleotide variant.
Coding change: c.1690G>A on transcript NM_004380.3 (MANE Select); coding-DNA position 1690, G replaced by A.
Protein change: p.Asp564Asn; replaces aspartic acid 564 with asparagine.
Molecular consequence: missense variant.
Genome position (GRCh38, 1-based): chr16:3,780,865, C>T on the plus strand (G>A on the coding strand, the complement: CREBBP is on the minus strand). VCF-style: chr16-3780865-C-T. GRCh37 (hg19) VCF-style: chr16-3830866-C-T.
Other names: c.1576G>A, p.Asp526Asn (NM_001079846.1); short protein forms D526N, D564N.
Identifiers: ClinVar variation 2295154 (VCV002295154.5), dbSNP rs1437165367, ClinGen allele CA394556731.

ClinVar aggregate classification (germline): Uncertain significance. Review status: criteria provided, multiple submitters, no conflicts (2 of 4 stars). 2 submissions from 2 submitters: Uncertain significance (2). Last evaluated 2024-05-24.

Conditions:
Rubinstein-Taybi syndrome (RSTS). Identifiers: Orphanet 783, MedGen C0035934, MONDO:0019188.
Inborn genetic diseases. Identifiers: MedGen C0950123, MeSH D030342.

Allele frequency attached by ClinVar (database versions not stated): gnomAD exomes 0.00001.
gnomAD v4.1: 9 of 1,613,462 alleles (0.00056%); highest among the groups gnomAD compares: Non-Finnish European, 0.00076%; no homozygotes.

Submissions (2):

Labcorp Genetics (formerly Invitae), Labcorp
Classification: Uncertain significance for Rubinstein-Taybi syndrome. Last evaluated: 2024-05-24. Review status: criteria provided, single submitter. Criteria: Invitae Variant Classification Sherloc (09022015). Collection method: clinical testing. Allele origin: germline.
Comment: This sequence change replaces aspartic acid, which is acidic and polar, with asparagine, which is neutral and polar, at codon 564 of the CREBBP protein (p.Asp564Asn). This variant is present in population databases (no rsID available, gnomAD 0.002%). This variant has not been reported in the literature in individuals affected with CREBBP-related conditions. ClinVar contains an entry for this variant (Variation ID: 2295154). Advanced modeling of protein sequence and biophysical properties (such as structural, functional, and spatial information, amino acid conservation, physicochemical variation, residue mobility, and thermodynamic stability) has been performed at Invitae for this missense variant, however the output from this modeling did not meet the statistical confidence thresholds required to predict the impact of this variant on CREBBP protein function. In summary, the available evidence is currently insufficient to determine the role of this variant in disease. Therefore, it has been classified as a Variant of Uncertain Significance.

Ambry Genetics
Classification: Uncertain significance for Inborn genetic diseases. Last evaluated: 2022-06-13. Review status: criteria provided, single submitter. Criteria: Ambry Variant Classification Scheme 2023. Collection method: clinical testing. Allele origin: germline.